The following is an entry in ClinVar:

NM_022124.6(CDH23):c.2176+3G>A

Gene: CDH23 (cadherin related 23; plus strand). Cytogenetic location: 10q22.1.
Variant type: single nucleotide variant.
Coding change: c.2176+3G>A on transcript NM_022124.6 (MANE Select); 3 bases into the intron after coding-DNA position 2176, G replaced by A.
Molecular consequence: intron variant.
Genome position (GRCh38, 1-based): chr10:71,690,587, G>A. VCF-style: chr10-71690587-G-A. GRCh37 (hg19) VCF-style: chr10-73450344-G-A.
Other names: c.2176+3G>A (NM_001171930.2, NM_001171931.2).
Identifiers: ClinVar variation 2420648 (VCV002420648.4), dbSNP rs369606279, ClinGen allele CA5544109.
Genomic context (GRCh38, chr10:71,690,587, plus strand): 5'-GAGTCCATCATCTACTCCTTGGAAGGCTCCACCCAGTTTCGGATCAATGCCCGCTCAGGT[G>A]AGCCCCCCCACCCCAAGTACCCTGGTCCTCCACACCCTGAGGCTGACTGTCCATACCCGG-3'

ClinVar aggregate classification (germline): Conflicting classifications of pathogenicity. Review status: criteria provided, conflicting classifications (1 of 4 stars). 2 submissions from 2 submitters: Uncertain significance (1); Likely benign (1). Last evaluated 2022-06-27.

Allele frequency attached by ClinVar (database versions not stated): gnomAD 0.00001; TOPMed 0.00001; ExAC 0.00002; ESP Exome Variant Server 0.00008.
gnomAD v4.1: 4 of 1,579,672 alleles (0.00025%); highest among the groups gnomAD compares: Non-Finnish European, 0.00034%; no homozygotes.

Submissions (2):

Labcorp Genetics (formerly Invitae), Labcorp
Classification: Uncertain significance. Last evaluated: 2022-06-27. Review status: criteria provided, single submitter. Criteria: Invitae Variant Classification Sherloc (09022015). Collection method: clinical testing. Allele origin: germline.
Comment: This sequence change falls in intron 20 of the CDH23 gene. It does not directly change the encoded amino acid sequence of the CDH23 protein. It affects a nucleotide within the consensus splice site. The frequency data for this variant in the population databases is considered unreliable, as metrics indicate poor data quality at this position in the gnomAD database. This variant has not been reported in the literature in individuals affected with CDH23-related conditions. Variants that disrupt the consensus splice site are a relatively common cause of aberrant splicing (PMID: 17576681, 9536098). Algorithms developed to predict the effect of sequence changes on RNA splicing suggest that this variant is not likely to affect RNA splicing. In summary, the available evidence is currently insufficient to determine the role of this variant in disease. Therefore, it has been classified as a Variant of Uncertain Significance.

Blueprint Genetics
Classification: Likely benign. Last evaluated: 2019-09-21. Review status: criteria provided, single submitter. Criteria: ACMG Guidelines, 2015. Collection method: clinical testing. Allele origin: germline.

Literature cited by the submitters: PubMed 17576681 (cited by Labcorp Genetics (formerly Invitae), Labcorp); PubMed 9536098 (cited by Labcorp Genetics (formerly Invitae), Labcorp).